The following is an entry in ClinVar:

NM_000038.6(APC):c.4552A>C (p.Lys1518Gln)

Gene: APC (APC regulator of WNT signaling pathway; plus strand). Cytogenetic location: 5q22.2.
Variant type: single nucleotide variant.
Coding change: c.4552A>C on transcript NM_000038.6 (MANE Select); coding-DNA position 4552, A replaced by C.
Protein change: p.Lys1518Gln; replaces lysine 1518 with glutamine.
Molecular consequence: missense variant. On other transcripts: non-coding transcript variant (2).
Genome position (GRCh38, 1-based): chr5:112,840,146, A>C. VCF-style: chr5-112840146-A-C. GRCh37 (hg19) VCF-style: chr5-112175843-A-C.
Other names: c.4552A>C, p.Lys1518Gln (NM_001127510.3, NM_001354895.2, NM_001407450.1); c.4498A>C, p.Lys1500Gln (NM_001127511.3); c.4606A>C, p.Lys1536Gln (NM_001354896.2, NM_001407447.1, NM_001407448.1 and 1 more transcripts); c.4582A>C, p.Lys1528Gln (NM_001354897.2); c.4477A>C, p.Lys1493Gln (NM_001354898.2); c.4468A>C, p.Lys1490Gln (NM_001354899.2); c.4429A>C, p.Lys1477Gln (NM_001354900.2); c.4375A>C, p.Lys1459Gln (NM_001354901.2, NM_001407453.1); and 11 more; short protein forms K1134Q, K1235Q, K1358Q, K1389Q, K1392Q, K1417Q, K1427Q, K1435Q.
Identifiers: ClinVar variation 3386697 (VCV003386697.1).

ClinVar aggregate classification (germline): Uncertain significance (1 of 4 stars; one submission).

Conditions:
Classic or attenuated familial adenomatous polyposis. Identifiers: MedGen CN372698, MONDO:0021057.

Submission:

All of Us Research Program, National Institutes of Health
Classification: Uncertain significance for Classic or attenuated familial adenomatous polyposis. Last evaluated: 2024-05-14. Review status: criteria provided, single submitter. Criteria: ACMG Guidelines, 2015. Collection method: clinical testing. Allele origin: germline. Inheritance: Autosomal dominant inheritance. Observed: 1 variant allele, 1 heterozygote.
Comment: This missense variant replaces lysine with glutamine at codon 1518 of the APC protein. Computational prediction suggests that this variant may not impact protein structure and function (internally defined REVEL score threshold <= 0.5, PMID: 27666373). To our knowledge, functional studies have not been reported for this variant. This variant has not been reported in individuals affected with APC-related disorders in the literature. This variant has not been identified in the general population by the Genome Aggregation Database (gnomAD). The available evidence is insufficient to determine the role of this variant in disease conclusively. Therefore, this variant is classified as a Variant of Uncertain Significance.

This study involves interpretation of variants in research participants for the purpose of population health screening. Participant phenotype was not available at the time of variant classification. Additional details can be found in publication PMID: 35346344, PMCID: PMC8962531